The following is an entry in ClinVar:

NM_003105.6(SORL1):c.6356T>C (p.Leu2119Pro)

Gene: SORL1 (sortilin related receptor 1; plus strand). Cytogenetic location: 11q24.1.
Variant type: single nucleotide variant.
Coding change: c.6356T>C on transcript NM_003105.6 (MANE Select); coding-DNA position 6356, T replaced by C.
Protein change: p.Leu2119Pro; replaces leucine 2119 with proline.
Molecular consequence: missense variant.
Genome position (GRCh38, 1-based): chr11:121,625,269, T>C. VCF-style: chr11-121625269-T-C. GRCh37 (hg19) VCF-style: chr11-121495978-T-C.
Other names: short protein forms L2119P.
Identifiers: ClinVar variation 2075516 (VCV002075516.4), dbSNP rs375087515, ClinGen allele CA6330235.

ClinVar aggregate classification (germline): Uncertain significance (1 of 4 stars; one submission).

Allele frequency attached by ClinVar (database versions not stated): ESP Exome Variant Server 0.00008; TOPMed 0.00008; gnomAD 0.00011.
gnomAD v4.1: 106 of 1,609,964 alleles (0.0066%); highest among the groups gnomAD compares: Admixed American, 0.076%; no homozygotes.

Submission:

Labcorp Genetics (formerly Invitae), Labcorp
Classification: Uncertain significance. Last evaluated: 2024-08-21. Review status: criteria provided, single submitter. Criteria: Invitae Variant Classification Sherloc (09022015). Collection method: clinical testing. Allele origin: germline.
Comment: This sequence change replaces leucine, which is neutral and non-polar, with proline, which is neutral and non-polar, at codon 2119 of the SORL1 protein (p.Leu2119Pro). This variant is present in population databases (rs375087515, gnomAD 0.06%), and has an allele count higher than expected for a pathogenic variant. This missense change has been observed in individual(s) with Alzheimer disease (PMID: 28789839). ClinVar contains an entry for this variant (Variation ID: 2075516). An algorithm developed to predict the effect of missense changes on protein structure and function (PolyPhen-2) suggests that this variant is likely to be disruptive. In summary, the available evidence is currently insufficient to determine the role of this variant in disease. Therefore, it has been classified as a Variant of Uncertain Significance.

Literature cited by the submitters: PubMed 28789839.